The following is an entry in ClinVar:

NM_001048174.2(MUTYH):c.378G>C (p.Gln126His)

Gene: MUTYH (mutY DNA glycosylase; minus strand). Cytogenetic location: 1p34.1.
Variant type: single nucleotide variant.
Coding change: c.378G>C on transcript NM_001048174.2 (MANE Select); coding-DNA position 378, G replaced by C.
Protein change: p.Gln126His; replaces glutamine 126 with histidine.
Molecular consequence: missense variant. On other transcripts: non-coding transcript variant (1), intron variant (2).
Genome position (GRCh38, 1-based): chr1:45,333,097, C>G on the plus strand (G>C on the coding strand, the complement: MUTYH is on the minus strand). VCF-style: chr1-45333097-C-G. GRCh37 (hg19) VCF-style: chr1-45798769-C-G.
Other names: c.378G>C, p.Gln126His (NM_001048171.2, NM_001048173.2, NM_001293195.2); c.381G>C, p.Gln127His (NM_001048172.2); c.462G>C, p.Gln154His (NM_001128425.2); c.423G>C, p.Gln141His (NM_001293190.2); c.411G>C, p.Gln137His (NM_001293191.2); c.102G>C, p.Gln34His (NM_001293192.2, NM_001293196.2); c.453G>C, p.Gln151His (NM_012222.3); c.34-138G>C (NM_001350651.2, NM_001350650.2); short protein forms Q126H, Q141H, Q151H, Q154H, Q127H, Q137H, Q34H.
Identifiers: ClinVar variation 928452 (VCV000928452.3), dbSNP rs1645260006, ClinGen allele CA340136059.
Genomic context (GRCh38, chr1:45,333,097, plus strand): 5'-AAGTAGAGGCTCTCATCTGGGGTCTGACCCATGACCCTTCCCTTCCTCCCCTGGAGTCAC[C>G]TGCATCCATCCGGTATAGTAGTTGATCACAGTGGCAACCTGGGTCTGCTGCAGCATGACC-3'
Protein context (NP_001041639.1, residues 116-136): TVINYYTGWM[Gln126His]KWPTLQDLAS

ClinVar aggregate classification (germline): Uncertain significance (1 of 4 stars; one submission).

Conditions:
Hereditary cancer-predisposing syndrome. Also called: Neoplastic Syndromes, Hereditary; Hereditary Cancer Syndrome; Tumor predisposition; Hereditary neoplastic syndrome. Identifiers: Orphanet 140162, MedGen C0027672, MeSH D009386, MONDO:0015356.

Submission:

Color Diagnostics, LLC DBA Color Health
Classification: Uncertain significance for Hereditary cancer-predisposing syndrome. Last evaluated: 2020-01-23. Review status: criteria provided, single submitter. Criteria: ACMG Guidelines, 2015. Collection method: clinical testing. Allele origin: germline.
Comment: This missense variant replaces glutamine with histidine at codon 154 of the MUTYH protein. This variant is also known as c.420G>C (p.Gln140His) based on an alternative transcript (NM_001048171). Computational prediction suggests that this variant may not impact protein structure and function (internally defined REVEL score threshold <= 0.5, PMID: 27666373). Splice site prediction tools suggest that this variant may impact RNA splicing. However, this prediction has not been confirmed in published RNA studies. To our knowledge, functional studies have not been performed for this variant. This variant has not been reported in individuals affected with hereditary cancer in the literature. This variant has not been identified in the general population by the Genome Aggregation Database (gnomAD). The available evidence is insufficient to determine the role of this variant in disease conclusively. Therefore, this variant is classified as a Variant of Uncertain Significance.